The following is an entry in ClinVar:

ClinVar aggregate classification (germline): Pathogenic (1 of 4 stars; one submission).

Conditions:
Congenital hyperammonemia, type I. Also called: Carbamoyl phosphate synthetase 1 deficiency; Hyperammonemia due to carbamoyl phosphate synthetase 1 deficiency; CPS 1 deficiency; Carbamyl phosphate synthetase (CPS) deficiency; Carbamoyl-phosphate synthase I deficiency; Carbamoyl phosphate synthetase I deficiency disease. Identifiers: Orphanet 147, MedGen C4082171, MONDO:0009376, OMIM 237300.

Submission:

Labcorp Genetics (formerly Invitae), Labcorp
Classification: Pathogenic for Congenital hyperammonemia, type I. Last evaluated: 2026-01-06. Review status: criteria provided, single submitter. Criteria: Invitae Variant Classification Sherloc (09022015). Collection method: clinical testing. Allele origin: germline.
Comment: This sequence change creates a premature translational stop signal (p.Trp833*) in the CPS1 gene. It is expected to result in an absent or disrupted protein product. Loss-of-function variants in CPS1 are known to be pathogenic (PMID: 21120950). This variant is not present in population databases (gnomAD no frequency). This variant has not been reported in the literature in individuals affected with CPS1-related conditions. ClinVar contains an entry for this variant (Variation ID: 2171801). Algorithms developed to predict the effect of sequence changes on RNA splicing suggest that this variant may disrupt the consensus splice site. For these reasons, this variant has been classified as Pathogenic.

Literature cited by the submitters: PubMed 21120950.

NM_001875.5(CPS1):c.2498G>A (p.Trp833Ter)

Gene: CPS1 (carbamoyl-phosphate synthase 1; plus strand). Cytogenetic location: 2q34.
Variant type: single nucleotide variant.
Coding change: c.2498G>A on transcript NM_001875.5 (MANE Select); coding-DNA position 2498, G replaced by A.
Protein change: p.Trp833Ter; replaces tryptophan 833 with a stop codon.
Molecular consequence: nonsense. On other transcripts: non-coding transcript variant (2).
Genome position (GRCh38, 1-based): chr2:210,612,223, G>A. VCF-style: chr2-210612223-G-A. GRCh37 (hg19) VCF-style: chr2-211476947-G-A.
Other names: c.2498G>A, p.Trp833Ter (NM_001122633.3, NM_001369257.1); c.2531G>A, p.Trp844Ter (NM_001369256.1); short protein forms W844*, W833*.
Identifiers: ClinVar variation 2171801 (VCV002171801.4), dbSNP rs2469186731, ClinGen allele CA350440463.